The following is an entry in ClinVar:

ClinVar aggregate classification (germline): Pathogenic (1 of 4 stars; one submission).

Conditions:
Sandhoff disease. Also called: HEXOSAMINIDASES A AND B DEFICIENCY; Beta-hexosaminidase-beta-subunit deficiency; GM2 gangliosidosis, type 2; Total hexosaminidase deficiency; Sandhoff-Jatzkewitz-Pilz disease; GM2-GANGLIOSIDOSIS, TYPE II. Identifiers: Orphanet 796, MedGen C0036161, MONDO:0010006, OMIM 268800.

Submission:

Myriad Genetics, Inc.
Classification: Pathogenic for Sandhoff disease. Last evaluated: 2025-11-23. Review status: criteria provided, single submitter. Criteria: Myriad Autosomal Dominant, Autosomal Recessive and X-Linked Classification Criteria (2023). Collection method: clinical testing. Allele origin: unknown.
Comment: NM_000521.3(HEXB):c.1395dupA(V466Sfs*5) is expected to be pathogenic in the context of Sandhoff disease. This variant is predicted to lead to an abnormal or absent protein product due to the creation of a premature termination codon in HEXB, a gene where loss-of-function variants are known to be pathogenic. Please note: this variant was assessed in the context of healthy population screening.

NM_000521.4(HEXB):c.1395dup (p.Val466fs)

Gene: HEXB (hexosaminidase subunit beta; plus strand). Cytogenetic location: 5q13.3.
Variant type: Duplication.
Coding change: c.1395dup on transcript NM_000521.4 (MANE Select); coding-DNA position 1395, one base duplicated (A; older notation c.1395dupA).
Protein change: p.Val466fs; shifts the reading frame from valine 466.
Molecular consequence: frameshift variant.
Genome position (GRCh38, 1-based): chr5:74,718,949, A duplicated; the last of 3 consecutive A bases (chr5:74,718,947-74,718,949); duplicating any one gives the same sequence. VCF-style (leftmost placement, unchanged base first): chr5-74718946-T-TA. GRCh37 (hg19) VCF-style: chr5-74014771-T-TA.
Other names: c.720dup, p.Val241fs (NM_001292004.2); short protein forms V241fs, V466fs.
Identifiers: ClinVar variation 5015255 (VCV005015255.1).